The following is an entry in ClinVar:

NM_000077.5(CDKN2A):c.368A>G (p.His123Arg)

Gene: CDKN2A (cyclin dependent kinase inhibitor 2A; minus strand). Cytogenetic location: 9p21.3.
Variant type: single nucleotide variant.
Coding change: c.368A>G on transcript NM_000077.5; coding-DNA position 368, A replaced by G.
Protein change: p.His123Arg; replaces histidine 123 with arginine.
Molecular consequence: missense variant (on NM_000077.6). On other transcripts: 3 prime UTR variant (2).
Genome position (GRCh38, 1-based): chr9:21,970,991, T>C on the plus strand (A>G on the coding strand, the complement: CDKN2A is on the minus strand). VCF-style: chr9-21970991-T-C. GRCh37 (hg19) VCF-style: chr9-21970990-T-C.
Other names: c.368A>G, p.His123Arg (NM_000077.6, NM_001195132.2); c.215A>G, p.His72Arg (NM_001363763.2); c.*12A>G (NM_058195.4); c.*291A>G (NM_058197.5); short protein forms H123R, H72R.
Identifiers: ClinVar variation 4844741 (VCV004844741.1).

ClinVar aggregate classification (germline): Uncertain significance (1 of 4 stars; one submission).

Conditions:
Hereditary cancer-predisposing syndrome. Also called: Neoplastic Syndromes, Hereditary; Tumor predisposition; Hereditary neoplastic syndrome; Hereditary Cancer Syndrome. Identifiers: Orphanet 140162, MedGen C0027672, MeSH D009386, MONDO:0015356.

Submission:

Ambry Genetics
Classification: Uncertain significance for Hereditary cancer-predisposing syndrome. Last evaluated: 2026-02-23. Review status: criteria provided, single submitter. Criteria: Ambry Variant Classification Scheme 2023. Collection method: clinical testing. Allele origin: germline.
Comment: The p.H123R variant (also known as c.368A>G), located in coding exon 2 of the CDKN2A gene, results from an A to G substitution at nucleotide position 368. The histidine at codon 123 is replaced by arginine, an amino acid with highly similar properties. Of note, this variant is also known as c.411A>Gin the p14(ARF) isoform. This amino acid position is highly conserved in available vertebrate species. In addition, this alteration is predicted to be deleterious by in silico analysis. Based on the available evidence, the clinical significance of this variant remains unclear.